The following is an entry in ClinVar:

ClinVar aggregate classification (germline): Uncertain significance (1 of 4 stars; one submission).

Allele frequency attached by ClinVar (database versions not stated): gnomAD 0.00001; gnomAD exomes 0.00001 and 0.00002; TOPMed 0.00001; ExAC 0.00002.

Submission:

Labcorp Genetics (formerly Invitae), Labcorp
Classification: Uncertain significance. Last evaluated: 2021-08-23. Review status: criteria provided, single submitter. Criteria: Invitae Variant Classification Sherloc (09022015). Collection method: clinical testing. Allele origin: germline.
Comment: This sequence change replaces arginine with glutamine at codon 809 of the LIG3 protein (p.Arg809Gln). The arginine residue is highly conserved and there is a small physicochemical difference between arginine and glutamine. This variant is present in population databases (rs772791411, ExAC 0.01%). This variant has not been reported in the literature in individuals affected with LIG3-related conditions. Algorithms developed to predict the effect of missense changes on protein structure and function (SIFT, PolyPhen-2, Align-GVGD) all suggest that this variant is likely to be disruptive. In summary, the available evidence is currently insufficient to determine the role of this variant in disease. Therefore, it has been classified as a Variant of Uncertain Significance.

NM_013975.4(LIG3):c.2426G>A (p.Arg809Gln)

Gene: LIG3 (DNA ligase 3; plus strand). Cytogenetic location: 17q12.
Variant type: single nucleotide variant.
Coding change: c.2426G>A on transcript NM_013975.4 (MANE Select); coding-DNA position 2426, G replaced by A.
Protein change: p.Arg809Gln; replaces arginine 809 with glutamine.
Molecular consequence: missense variant.
Genome position (GRCh38, 1-based): chr17:35,001,351, G>A. VCF-style: chr17-35001351-G-A. GRCh37 (hg19) VCF-style: chr17-33328370-G-A.
Other names: c.2426G>A, p.Arg809Gln (NM_002311.5); short protein forms R809Q.
Identifiers: ClinVar variation 1405810 (VCV001405810.6), dbSNP rs772791411, ClinGen allele CA8498657.
Genomic context (GRCh38, chr17:35,001,351, plus strand): 5'-TCTCCAAATCGGAGGCTCATACAGCTGACGGGATCTCCATCCGATTCCCTCGCTGCACCC[G>A]AATCCGAGATGATAAGGACTGGAAATCTGCCACTAACCTTCCCCAACTCAAGGTAGCAGC-3'
Protein context (NP_039269.2, residues 799-819): GISIRFPRCT[Arg809Gln]IRDDKDWKSA